The following is an entry in ClinVar:

ClinVar aggregate classification (germline): Conflicting classifications of pathogenicity. Review status: criteria provided, conflicting classifications (1 of 4 stars). 3 submissions from 3 submitters: Uncertain significance (2); Likely benign (1). Last evaluated 2026-01-18.

Conditions:
Atrioventricular septal defect 4 (AVSD4). Identifiers: MedGen C3280781, MONDO:0013747, OMIM 614430.

Allele frequency attached by ClinVar (database versions not stated): ExAC 0.00001; TOPMed 0.00002; ESP Exome Variant Server 0.00023.
gnomAD v4.1: 23 of 1,614,078 alleles (0.0014%); highest among the groups gnomAD compares: African/African-American, 0.019%; no homozygotes.

Submissions (3):

Labcorp Genetics (formerly Invitae), Labcorp
Classification: Uncertain significance for Atrioventricular septal defect 4. Last evaluated: 2026-01-18. Review status: criteria provided, single submitter. Criteria: Invitae Variant Classification Sherloc (09022015). Collection method: clinical testing. Allele origin: germline.
Comment: This sequence change replaces glycine, which is neutral and non-polar, with valine, which is neutral and non-polar, at codon 369 of the GATA4 protein (p.Gly369Val). This variant is present in population databases (rs146685461, gnomAD 0.02%). This variant has not been reported in the literature in individuals affected with GATA4-related conditions. ClinVar contains an entry for this variant (Variation ID: 659246). Invitae Evidence Modeling of protein sequence and biophysical properties (such as structural, functional, and spatial information, amino acid conservation, physicochemical variation, residue mobility, and thermodynamic stability) has been performed for this missense variant. However, the output from this modeling did not meet the statistical confidence thresholds required to predict the impact of this variant on GATA4 protein function. In summary, the available evidence is currently insufficient to determine the role of this variant in disease. Therefore, it has been classified as a Variant of Uncertain Significance.

GeneDx
Classification: Uncertain significance. Last evaluated: 2024-10-08. Review status: criteria provided, single submitter. Criteria: GeneDx Variant Classification Process June 2021. Collection method: clinical testing. Allele origin: germline. Affected: yes.
Comment: Not observed at significant frequency in large population cohorts (gnomAD); In silico analysis supports that this missense variant has a deleterious effect on protein structure/function; Has not been previously published as pathogenic or benign to our knowledge

Blueprint Genetics
Classification: Likely benign. Last evaluated: 2021-12-10. Review status: criteria provided, single submitter. Criteria: ACMG Guidelines, 2015. Collection method: clinical testing. Allele origin: germline.

NM_001308093.3(GATA4):c.1109G>T (p.Gly370Val)

Gene: GATA4 (GATA binding protein 4). Cytogenetic location: 8p23.1.
Variant type: single nucleotide variant.
Coding change: c.1109G>T on transcript NM_001308093.3 (MANE Select); coding-DNA position 1109, G replaced by T.
Protein change: p.Gly370Val; replaces glycine 370 with valine.
Molecular consequence: missense variant.
Genome position (GRCh38, 1-based): chr8:11,757,043, G>T. VCF-style: chr8-11757043-G-T. GRCh37 (hg19) VCF-style: chr8-11614552-G-T.
Other names: c.488G>T, p.Gly163Val (NM_001308094.2, NM_001374273.1); c.362G>T, p.Gly121Val (NM_001374274.1); c.1106G>T, p.Gly369Val (NM_002052.5); short protein forms G369V, G163V, G370V, G121V.
Identifiers: ClinVar variation 659246 (VCV000659246.10), dbSNP rs146685461, ClinGen allele CA4630831.